The following is an entry in ClinVar:

ClinVar aggregate classification (germline): Uncertain significance (1 of 4 stars; one submission).

Conditions:
Malignant hyperthermia, susceptibility to, 5 (MHS5). Also called: CACNA1S-Related Malignant Hyperthermia Susceptibility. Identifiers: Orphanet 423, MedGen C1866077, MONDO:0011163, OMIM 601887.

Allele frequency attached by ClinVar (database versions not stated): gnomAD exomes below 0.00001.
gnomAD v4.1: 1 of 1,612,080 alleles (0.000062%); highest among the groups gnomAD compares: South Asian, 0.0011%; no homozygotes.

Submission:

All of Us Research Program, National Institutes of Health
Classification: Uncertain significance for Malignant hyperthermia, susceptibility to, 5. Last evaluated: 2023-05-16. Review status: criteria provided, single submitter. Criteria: ACMG Guidelines, 2015. Collection method: clinical testing. Allele origin: germline. Inheritance: Autosomal dominant inheritance. Observed: 1 variant allele, 1 heterozygote.
Comment: This missense variant replaces glutamine with lysine at codon 1142 of the CACNA1S protein. Computational prediction suggests that this variant may have deleterious impact on protein structure and function (internally defined REVEL score threshold >= 0.7, PMID: 27666373). To our knowledge, functional studies have not been reported for this variant. This variant has not been reported in individuals affected with CACNA1S-related disorders in the literature. This variant has not been identified in the general population by the Genome Aggregation Database (gnomAD). The available evidence is insufficient to determine the role of this variant in disease conclusively. Therefore, this variant is classified as a Variant of Uncertain Significance.

This study involves interpretation of variants in research participants for the purpose of population health screening. Participant phenotype was not available at the time of variant classification. Additional details can be found in publication PMID: 35346344, PMCID: PMC8962531

NM_000069.3(CACNA1S):c.3424C>A (p.Gln1142Lys)

Gene: CACNA1S (calcium voltage-gated channel subunit alpha1 S; minus strand). Cytogenetic location: 1q32.1.
Variant type: single nucleotide variant.
Coding change: c.3424C>A on transcript NM_000069.3 (MANE Select); coding-DNA position 3424, C replaced by A.
Protein change: p.Gln1142Lys; replaces glutamine 1142 with lysine.
Molecular consequence: missense variant.
Genome position (GRCh38, 1-based): chr1:201,059,290, G>T on the plus strand (C>A on the coding strand, the complement: CACNA1S is on the minus strand). VCF-style: chr1-201059290-G-T. GRCh37 (hg19) VCF-style: chr1-201028418-G-T.
Other names: short protein forms Q1142K.
Identifiers: ClinVar variation 3071084 (VCV003071084.1), dbSNP rs1660961140, ClinGen allele CA344158902.
Genomic context (GRCh38, chr1:201,059,290, plus strand): 5'-TGAAGATGATAGTGAAGGCCACATTGAGGATGTCTGAGATGTGGTTCATCTGCTCCGACT[G>T]GTTGTAGTGCTGTGGAGGGGACACAGGAGCAGTGGGTCAGGGGGGCCGGGTTTGCCCACC-3'
Protein context (NP_000060.2, residues 1132-1152): TICLGMQHYN[Gln1142Lys]SEQMNHISDI